The following is an entry in ClinVar:

ClinVar aggregate classification (germline): Uncertain significance (1 of 4 stars; one submission).

Conditions:
Candidiasis, familial, 9 (CANDF9). Identifiers: Orphanet 1334, MedGen C4225324, MONDO:0014642, OMIM 616445.

gnomAD v4.1: 1 of 1,614,050 alleles (0.000062%); highest among the groups gnomAD compares: Non-Finnish European, 0.000085%; no homozygotes.

Submission:

Labcorp Genetics (formerly Invitae), Labcorp
Classification: Uncertain significance for Candidiasis, familial, 9. Last evaluated: 2025-07-18. Review status: criteria provided, single submitter. Criteria: Invitae Variant Classification Sherloc (09022015). Collection method: clinical testing. Allele origin: germline.
Comment: This sequence change replaces tyrosine, which is neutral and polar, with cysteine, which is neutral and slightly polar, at codon 505 of the IL17RC protein (p.Tyr505Cys). This variant is not present in population databases (gnomAD no frequency). This variant has not been reported in the literature in individuals affected with IL17RC-related conditions. An algorithm developed to predict the effect of missense changes on protein structure and function (PolyPhen-2) suggests that this variant is likely to be tolerated. In summary, the available evidence is currently insufficient to determine the role of this variant in disease. Therefore, it has been classified as a Variant of Uncertain Significance.

NM_153460.4(IL17RC):c.1301A>G (p.Tyr434Cys)

Gene: IL17RC (interleukin 17 receptor C; plus strand). Cytogenetic location: 3p25.3.
Variant type: single nucleotide variant.
Coding change: c.1301A>G on transcript NM_153460.4 (MANE Select); coding-DNA position 1301, A replaced by G.
Protein change: p.Tyr434Cys; replaces tyrosine 434 with cysteine.
Molecular consequence: missense variant. On other transcripts: non-coding transcript variant (1).
Genome position (GRCh38, 1-based): chr3:9,930,422, A>G. VCF-style: chr3-9930422-A-G. GRCh37 (hg19) VCF-style: chr3-9972106-A-G.
Other names: c.1301A>G, p.Tyr434Cys (NM_001203263.2); c.1250A>G, p.Tyr417Cys (NM_001203264.2); c.1205A>G, p.Tyr402Cys (NM_001203265.2, NM_001410711.1); c.1262A>G, p.Tyr421Cys (NM_001367278.1); c.1181A>G, p.Tyr394Cys (NM_001367279.1); c.1256A>G, p.Tyr419Cys (NM_001367280.1, NM_032732.6); c.1514A>G, p.Tyr505Cys (NM_153461.4); short protein forms Y394C, Y402C, Y417C, Y419C, Y421C, Y434C, Y505C.
Identifiers: ClinVar variation 4807489 (VCV004807489.1).
Genomic context (GRCh38, chr3:9,930,422, plus strand): 5'-CCTCCAGGTAACAGTGCCCCCATCCTTTGGCTTGGCAGAGGGCAGCTCGCCTTGGAGAGT[A>G]CTTACTACAAGACCTGCAGTCAGGCCAGTGTCTGCAGGTGAGCTGGTGGAAGAAGGGCCC-3'
Protein context (NP_703190.2, residues 424-444): ASTRAARLGE[Tyr434Cys]LLQDLQSGQC